The following is an entry in ClinVar:

NM_001012720.2(RGR):c.338G>A (p.Arg113His)

Gene: RGR (retinal G protein coupled receptor; plus strand). Cytogenetic location: 10q23.1.
Variant type: single nucleotide variant.
Coding change: c.338G>A on transcript NM_001012720.2 (MANE Select); coding-DNA position 338, G replaced by A.
Protein change: p.Arg113His; replaces arginine 113 with histidine.
Molecular consequence: missense variant.
Genome position (GRCh38, 1-based): chr10:84,249,023, G>A. VCF-style: chr10-84249023-G-A. GRCh37 (hg19) VCF-style: chr10-86008779-G-A.
Other names: c.338G>A, p.Arg113His (NM_001012722.2); c.350G>A, p.Arg117His (NM_002921.4); short protein forms R117H, R113H.
Identifiers: ClinVar variation 941049 (VCV000941049.8), dbSNP rs571639109, ClinGen allele CA5581389.
Genomic context (GRCh38, chr10:84,249,023, plus strand): 5'-TCCAGGGCTTTGTGACAGCGTTGGCCAGCATCTGCAGCAGTGCAGCCATCGCATGGGGGC[G>A]TTATCACCACTACTGCACCCGTATGTATCTGGGCTCCTGGAGTGGAGGGACACCGATGCA-3'
Protein context (NP_001012738.1, residues 103-123): ICSSAAIAWG[Arg113His]YHHYCTRSQL

ClinVar aggregate classification (germline): Uncertain significance. Review status: criteria provided, multiple submitters, no conflicts (2 of 4 stars). 2 submissions from 2 submitters: Uncertain significance (2). Last evaluated 2025-09-20.

Allele frequency attached by ClinVar (database versions not stated): gnomAD 0.00001 and 0.00003; TOPMed 0.00005; ExAC 0.00011; 1000 Genomes Project 30x 0.00016; 1000 Genomes Project 0.00020.
gnomAD v4.1: 63 of 1,614,064 alleles (0.0039%); highest among the groups gnomAD compares: South Asian, 0.036%; no homozygotes.

Submissions (2):

Labcorp Genetics (formerly Invitae), Labcorp
Classification: Uncertain significance. Last evaluated: 2025-09-20. Review status: criteria provided, single submitter. Criteria: Invitae Variant Classification Sherloc (09022015). Collection method: clinical testing. Allele origin: germline.
Comment: This sequence change replaces arginine, which is basic and polar, with histidine, which is basic and polar, at codon 113 of the RGR protein (p.Arg113His). This variant is present in population databases (rs571639109, gnomAD 0.04%). This variant has not been reported in the literature in individuals affected with RGR-related conditions. ClinVar contains an entry for this variant (Variation ID: 941049). An algorithm developed to predict the effect of missense changes on protein structure and function outputs the following: PolyPhen-2: "Not Available". The histidine amino acid residue is found in multiple mammalian species, which suggests that this missense change does not adversely affect protein function. In summary, the available evidence is currently insufficient to determine the role of this variant in disease. Therefore, it has been classified as a Variant of Uncertain Significance.

Blueprint Genetics
Classification: Uncertain significance. Last evaluated: 2022-12-16. Review status: criteria provided, single submitter. Criteria: ACMG Guidelines, 2015. Collection method: clinical testing. Allele origin: germline.